The following is an entry in ClinVar:

ClinVar aggregate classification (germline): Uncertain significance (1 of 4 stars; one submission).

Conditions:
Inborn genetic diseases. Identifiers: MedGen C0950123, MeSH D030342.

Submission:

Ambry Genetics
Classification: Uncertain significance for Inborn genetic diseases. Last evaluated: 2025-02-02. Review status: criteria provided, single submitter. Criteria: Ambry Variant Classification Scheme 2023. Collection method: clinical testing. Allele origin: germline.
Comment: The p.A655D variant (also known as c.1964C>A), located in coding exon 22 of the FANCA gene, results from a C to A substitution at nucleotide position 1964. The alanine at codon 655 is replaced by aspartic acid, an amino acid with dissimilar properties. This amino acid position is conserved. In addition, the in silico prediction for this alteration is inconclusive. Based on the available evidence, the clinical significance of this variant remains unclear.

NM_000135.4(FANCA):c.1964C>A (p.Ala655Asp)

Gene: FANCA (FA complementation group A; minus strand). Cytogenetic location: 16q24.3.
Variant type: single nucleotide variant.
Coding change: c.1964C>A on transcript NM_000135.4 (MANE Select); coding-DNA position 1964, C replaced by A.
Protein change: p.Ala655Asp; replaces alanine 655 with aspartic acid.
Molecular consequence: missense variant.
Genome position (GRCh38, 1-based): chr16:89,773,321, G>T on the plus strand (C>A on the coding strand, the complement: FANCA is on the minus strand). VCF-style: chr16-89773321-G-T. GRCh37 (hg19) VCF-style: chr16-89839729-G-T.
Other names: c.1964C>A, p.Ala655Asp (NM_001286167.3); short protein forms A655D.
Identifiers: ClinVar variation 3848171 (VCV003848171.1).